The following is an entry in ClinVar:

NM_006031.6(PCNT):c.8882C>T (p.Ala2961Val)

Gene: PCNT (pericentrin; plus strand). Cytogenetic location: 21q22.3.
Variant type: single nucleotide variant.
Coding change: c.8882C>T on transcript NM_006031.6 (MANE Select); coding-DNA position 8882, C replaced by T.
Protein change: p.Ala2961Val; replaces alanine 2961 with valine.
Molecular consequence: missense variant.
Genome position (GRCh38, 1-based): chr21:46,436,034, C>T. VCF-style: chr21-46436034-C-T. GRCh37 (hg19) VCF-style: chr21-47855947-C-T.
Other names: c.8291C>T, p.Ala2764Val (NM_001315529.2); short protein forms A2764V, A2961V.
Identifiers: ClinVar variation 5000766 (VCV005000766.1).

ClinVar aggregate classification (germline): Uncertain significance (1 of 4 stars; one submission).

Conditions:
PCNT-related disorder. Also called: PCNT-related condition.

Submission:

PreventionGenetics, part of Exact Sciences
Classification: Uncertain significance for PCNT-related condition. Last evaluated: 2026-05-05. Review status: criteria provided, single submitter. Criteria: ACMG Guidelines, 2015. Collection method: clinical testing. Allele origin: germline.
Comment: The PCNT c.8882C>T variant is predicted to result in the amino acid substitution p.Ala2961Val. To our knowledge, this variant has not been reported in the literature or in a large population database (gnomAD), indicating this variant is rare. At this time, the clinical significance of this variant is uncertain due to the absence of conclusive functional and genetic evidence.